The following is an entry in ClinVar:

ClinVar aggregate classification (germline): Likely benign (0 of 4 stars; one submission).

Conditions:
TRIP13-related disorder. Also called: TRIP13-related condition.

Allele frequency attached by ClinVar (database versions not stated): gnomAD 0.00002; gnomAD exomes 0.00003; TOPMed 0.00003; ExAC 0.00006; ESP Exome Variant Server 0.00008; 1000 Genomes Project 30x 0.00016; 1000 Genomes Project 0.00020.
gnomAD v4.1: 49 of 1,613,764 alleles (0.003%); highest among the groups gnomAD compares: East Asian, 0.0045%; no homozygotes.

Submission:

PreventionGenetics, part of Exact Sciences
Classification: Likely benign for TRIP13-related condition. Last evaluated: 2022-03-04. Review status: no assertion criteria provided. Collection method: clinical testing. Allele origin: germline.
Comment: This variant is classified as likely benign based on ACMG/AMP sequence variant interpretation guidelines (Richards et al. 2015 PMID: 25741868, with internal and published modifications).

NM_004237.4(TRIP13):c.825C>T (p.Arg275=)

Gene: TRIP13 (thyroid hormone receptor interactor 13; plus strand). Cytogenetic location: 5p15.33.
Variant type: single nucleotide variant.
Coding change: c.825C>T on transcript NM_004237.4 (MANE Select); coding-DNA position 825, C replaced by T.
Protein change: p.Arg275=; no amino-acid change (arginine 275 retained).
Molecular consequence: synonymous variant.
Genome position (GRCh38, 1-based): chr5:908,420, C>T. VCF-style: chr5-908420-C-T. GRCh37 (hg19) VCF-style: chr5-908535-C-T.
Other names: c.825C>T, p.Arg275= (NM_001166260.2).
Identifiers: ClinVar variation 3049309 (VCV003049309.2), dbSNP rs146441673, ClinGen allele CA3179998.